The following is an entry in ClinVar:

NM_000046.5(ARSB):c.1130G>A (p.Trp377Ter)

Gene: ARSB (arylsulfatase B; minus strand). Cytogenetic location: 5q14.1.
Variant type: single nucleotide variant.
Coding change: c.1130G>A on transcript NM_000046.5 (MANE Select); coding-DNA position 1130, G replaced by A.
Protein change: p.Trp377Ter; replaces tryptophan 377 with a stop codon.
Molecular consequence: nonsense.
Genome position (GRCh38, 1-based): chr5:78,885,596, C>T on the plus strand (G>A on the coding strand, the complement: ARSB is on the minus strand). VCF-style: chr5-78885596-C-T. GRCh37 (hg19) VCF-style: chr5-78181419-C-T.
Other names: c.1130G>A, p.Trp377Ter (NM_198709.3); short protein forms W377*.
Identifiers: ClinVar variation 559677 (VCV000559677.13), dbSNP rs1554079265, ClinGen allele CA360342718.

ClinVar aggregate classification (germline): Pathogenic/Likely pathogenic. Review status: criteria provided, multiple submitters, no conflicts (2 of 4 stars). 3 submissions from 3 submitters: Pathogenic (2); Likely pathogenic (1). Last evaluated 2024-02-27.

Conditions:
Mucopolysaccharidosis type 6 (MPS6). Also called: MPS VI; N-ACETYLGALACTOSAMINE-4-SULFATASE DEFICIENCY; ARSB DEFICIENCY; ARYLSULFATASE B DEFICIENCY; MPS 6; Maroteaux Lamy syndrome. Identifiers: Orphanet 583, MedGen C0026709, MONDO:0009661, OMIM 253200.

Submissions (3):

Fulgent Genetics
Classification: Pathogenic for Mucopolysaccharidosis type 6. Last evaluated: 2024-02-27. Review status: criteria provided, single submitter. Criteria: ACMG Guidelines, 2015. Collection method: clinical testing. Allele origin: germline.

Labcorp Genetics (formerly Invitae), Labcorp
Classification: Pathogenic for Mucopolysaccharidosis type 6. Last evaluated: 2021-12-20. Review status: criteria provided, single submitter. Criteria: Invitae Variant Classification Sherloc (09022015). Collection method: clinical testing. Allele origin: germline.
Comment: This sequence change creates a premature translational stop signal (p.Trp377*) in the ARSB gene. It is expected to result in an absent or disrupted protein product. Loss-of-function variants in ARSB are known to be pathogenic (PMID: 17458871, 22133300). This variant is not present in population databases (gnomAD no frequency). This premature translational stop signal has been observed in individuals with mucopolysaccharidosis type VI (PMID: 17458871). ClinVar contains an entry for this variant (Variation ID: 559677). Algorithms developed to predict the effect of sequence changes on RNA splicing suggest that this variant may create or strengthen a splice site. For these reasons, this variant has been classified as Pathogenic.

Laboratory of Diagnosis and Therapy of Lysosomal Disorders, University of Padova
Classification: Likely pathogenic for Mucopolysaccharidosis type 6. Last evaluated: 2018-01-01. Review status: criteria provided, single submitter. Criteria: ACMG Guidelines, 2015. Collection method: curation. Allele origin: germline. Affected: yes.
Comment: Nonsense variant (PVS1); Absent from GnomAD (PM2)

Literature cited by the submitters: PubMed 17458871 (cited by Labcorp Genetics (formerly Invitae), Labcorp and Laboratory of Diagnosis and Therapy of Lysosomal Disorders, University of Padova); PubMed 22133300 (cited by Labcorp Genetics (formerly Invitae), Labcorp); PubMed 30118150 (cited by Laboratory of Diagnosis and Therapy of Lysosomal Disorders, University of Padova).